The following is an entry in ClinVar:

ClinVar aggregate classification (germline): Uncertain significance (1 of 4 stars; one submission).

Conditions:
Tuberous sclerosis 2 (TSC2). Identifiers: Orphanet 805, MedGen C1860707, MONDO:0013199, OMIM 613254.

Submission:

Labcorp Genetics (formerly Invitae), Labcorp
Classification: Uncertain significance for Tuberous sclerosis 2. Last evaluated: 2019-04-07. Review status: criteria provided, single submitter. Criteria: Invitae Variant Classification Sherloc (09022015). Collection method: clinical testing. Allele origin: germline.
Comment: This variant has not been reported in the literature in individuals with TSC2-related conditions. This variant is not present in population databases (ExAC no frequency). This sequence change replaces histidine with aspartic acid at codon 1566 of the TSC2 protein (p.His1566Asp). The histidine residue is moderately conserved and there is a moderate physicochemical difference between histidine and aspartic acid. Algorithms developed to predict the effect of missense changes on protein structure and function are either unavailable or do not agree on the potential impact of this missense change (SIFT: "Deleterious"; PolyPhen-2: "Probably Damaging"; Align-GVGD: "Class C0"). In summary, the available evidence is currently insufficient to determine the role of this variant in disease. Therefore, it has been classified as a Variant of Uncertain Significance.

NM_000548.5(TSC2):c.4696C>G (p.His1566Asp)

Gene: TSC2 (TSC complex subunit 2; plus strand). Cytogenetic location: 16p13.3.
Variant type: single nucleotide variant.
Coding change: c.4696C>G on transcript NM_000548.5 (MANE Select); coding-DNA position 4696, C replaced by G.
Protein change: p.His1566Asp; replaces histidine 1566 with aspartic acid.
Molecular consequence: missense variant.
Genome position (GRCh38, 1-based): chr16:2,086,226, C>G. VCF-style: chr16-2086226-C-G. GRCh37 (hg19) VCF-style: chr16-2136227-C-G.
Other names: c.4351C>G, p.His1451Asp (NM_001318829.2); c.3964C>G, p.His1322Asp (NM_001318831.2); c.4528C>G, p.His1510Asp (NM_001318832.2); c.4498C>G, p.His1500Asp (NM_001363528.2); c.4564C>G, p.His1522Asp (NM_001370404.1); c.4567C>G, p.His1523Asp (NM_001370405.1, NM_021055.3); c.4495C>G, p.His1499Asp (NM_001077183.3); c.4627C>G, p.His1543Asp (NM_001114382.3); and 1 more; short protein forms H1451D, H1510D, H1523D, H1566D, H1499D, H1522D, H1463D, H1500D.
Identifiers: ClinVar variation 845966 (VCV000845966.9), dbSNP rs1596438391, ClinGen allele CA394307242.